The following is an entry in ClinVar:

ClinVar aggregate classification (germline): Uncertain significance (1 of 4 stars; one submission).

Submission:

Greenwood Genetic Center Diagnostic Laboratories, Greenwood Genetic Center
Classification: Uncertain significance. Last evaluated: 2025-04-08. Review status: criteria provided, single submitter. Criteria: ACMG Guidelines, 2015. Collection method: clinical testing. Allele origin: germline. Affected: yes.
Comment: PM2, PP3

NM_001145358.2(SIN3A):c.3020A>G (p.Gln1007Arg)

Gene: SIN3A (SIN3 transcription regulator family member A; minus strand). Cytogenetic location: 15q24.2.
Variant type: single nucleotide variant.
Coding change: c.3020A>G on transcript NM_001145358.2 (MANE Select); coding-DNA position 3020, A replaced by G.
Protein change: p.Gln1007Arg; replaces glutamine 1007 with arginine.
Molecular consequence: missense variant.
Genome position (GRCh38, 1-based): chr15:75,389,653, T>C on the plus strand (A>G on the coding strand, the complement: SIN3A is on the minus strand). VCF-style: chr15-75389653-T-C. GRCh37 (hg19) VCF-style: chr15-75681994-T-C.
Other names: c.3020A>G, p.Gln1007Arg (NM_001437463.1, NM_015477.3, NM_001145357.2 and 1 more transcripts); short protein forms Q1007R.
Identifiers: ClinVar variation 4538231 (VCV004538231.1).